The following is an entry in ClinVar:

NM_000026.4(ADSL):c.778G>A (p.Ala260Thr)

Gene: ADSL (adenylosuccinate lyase; plus strand). Cytogenetic location: 22q13.1.
Variant type: single nucleotide variant.
Coding change: c.778G>A on transcript NM_000026.4 (MANE Select); coding-DNA position 778, G replaced by A.
Protein change: p.Ala260Thr; replaces alanine 260 with threonine.
Molecular consequence: missense variant. On other transcripts: non-coding transcript variant (1).
Genome position (GRCh38, 1-based): chr22:40,360,478, G>A. VCF-style: chr22-40360478-G-A. GRCh37 (hg19) VCF-style: chr22-40756482-G-A.
Other names: c.586G>A, p.Ala196Thr (NM_001317923.2); c.778G>A, p.Ala260Thr (NM_001363840.3, NM_001410812.1, NM_001410816.1 and 1 more transcripts); c.733G>A, p.Ala245Thr (NM_001410814.1); short protein forms A196T, A245T, A260T.
Identifiers: ClinVar variation 5018781 (VCV005018781.2).
Genomic context (GRCh38, chr22:40,360,478, plus strand): 5'-GGGCAGACATATACACGAAAAGTGGATATTGAAGTACTGTCTGTGCTGGCTAGCTTGGGG[G>A]CATCAGTGCACAAGGTGAGTGGTGGCAGCATGTGGGGTGGGGACAGGAGCTTTGGGCACC-3'
Protein context (NP_000017.1, residues 250-270): EVLSVLASLG[Ala260Thr]SVHKICTDIR

ClinVar aggregate classification (germline): Uncertain significance (1 of 4 stars; one submission).

Conditions:
Adenylosuccinate lyase deficiency (ADSLD). Also called: ADSL DEFICIENCY. Identifiers: Orphanet 46, MedGen C0268126, MONDO:0007068, OMIM 103050.

Submission:

Juno Genomics, Hangzhou Juno Genomics, Inc
Classification: Uncertain significance for Adenylosuccinate lyase deficiency. Review status: criteria provided, single submitter. Criteria: ACMG Guidelines, 2015. Collection method: clinical testing. Allele origin: germline.
Comment: Absent from controls (or at extremely low frequency if recessive) in Genome Aggregation Database.;Multiple lines of computational evidence support a deleterious effect on the gene or gene product.